The following is an entry in ClinVar:

ClinVar aggregate classification (germline): Uncertain significance (1 of 4 stars; one submission).

Conditions:
Catecholaminergic polymorphic ventricular tachycardia (CVPT). Also called: Catecholamine-induced polymorphic ventricular tachycardia. Identifiers: Orphanet 3286, MedGen C5574922, MONDO:0017990.

Submission:

All of Us Research Program, National Institutes of Health
Classification: Uncertain significance for Catecholaminergic polymorphic ventricular tachycardia. Last evaluated: 2023-12-13. Review status: criteria provided, single submitter. Criteria: ACMG Guidelines, 2015. Collection method: clinical testing. Allele origin: germline. Inheritance: Autosomal dominant inheritance. Observed: 1 variant allele, 1 heterozygote.
Comment: This missense variant replaces glycine with valine at codon 786 of the RYR2 protein. Computational prediction suggests that this variant may have deleterious impact on protein structure and function (internally defined REVEL score threshold >= 0.7, PMID: 27666373). To our knowledge, functional studies have not been reported for this variant. This variant has not been reported in individuals affected with RYR2-related disorders in the literature. This variant has not been identified in the general population by the Genome Aggregation Database (gnomAD). The available evidence is insufficient to determine the role of this variant in disease conclusively. Therefore, this variant is classified as a Variant of Uncertain Significance.

This study involves interpretation of variants in research participants for the purpose of population health screening. Participant phenotype was not available at the time of variant classification. Additional details can be found in publication PMID: 35346344, PMCID: PMC8962531

NM_001035.3(RYR2):c.2357G>T (p.Gly786Val)

Gene: RYR2 (ryanodine receptor 2; plus strand). Cytogenetic location: 1q43.
Variant type: single nucleotide variant.
Coding change: c.2357G>T on transcript NM_001035.3 (MANE Select); coding-DNA position 2357, G replaced by T.
Protein change: p.Gly786Val; replaces glycine 786 with valine.
Molecular consequence: missense variant.
Genome position (GRCh38, 1-based): chr1:237,500,864, G>T. VCF-style: chr1-237500864-G-T. GRCh37 (hg19) VCF-style: chr1-237664164-G-T.
Other names: short protein forms G786V.
Identifiers: ClinVar variation 3075031 (VCV003075031.1), dbSNP rs182778119, ClinGen allele CA345393325.